The following is an entry in ClinVar:

NM_002968.3(SALL1):c.949C>T (p.Pro317Ser)

Gene: SALL1 (spalt like transcription factor 1; minus strand). Cytogenetic location: 16q12.1.
Variant type: single nucleotide variant.
Coding change: c.949C>T on transcript NM_002968.3 (MANE Select); coding-DNA position 949, C replaced by T.
Protein change: p.Pro317Ser; replaces proline 317 with serine.
Molecular consequence: missense variant.
Genome position (GRCh38, 1-based): chr16:51,141,273, G>A on the plus strand (C>T on the coding strand, the complement: SALL1 is on the minus strand). VCF-style: chr16-51141273-G-A. GRCh37 (hg19) VCF-style: chr16-51175184-G-A.
Other names: c.658C>T, p.Pro220Ser (NM_001127892.2); short protein forms P317S, P220S.
Identifiers: ClinVar variation 208167 (VCV000208167.6), dbSNP rs864621971, ClinGen allele CA339760.
Genomic context (GRCh38, chr16:51,141,273, plus strand): 5'-AGCCGCTGTTGGATGGAATGATGGTGTTGCCAGAACTGCTCTGAGGTAGCTGGATTGGGG[G>A]TAGCTGTTTCACACCACTAATGCTGGCAGATTGGCTGGCGAGGCTCTGTGCCAATCCAGC-3'
Protein context (NP_002959.2, residues 307-327): SASISGVKQL[Pro317Ser]PIQLPQSSSG

ClinVar aggregate classification (germline): Conflicting classifications of pathogenicity. Review status: criteria provided, conflicting classifications (1 of 4 stars). 3 submissions from 3 submitters: Pathogenic (1); Uncertain significance (2). Last evaluated 2022-04-14.

Conditions:
Townes-Brocks syndrome 1 (TBS1). Also called: DEAFNESS, SENSORINEURAL, WITH IMPERFORATE ANUS AND THUMB ANOMALIES; REAR SYNDROME; RENAL-EAR-ANAL-RADIAL SYNDROME; SALL1-Related Townes-Brocks Syndrome. Identifiers: Orphanet 857, MedGen C4551481, MONDO:0054581, OMIM 107480.

Allele frequency attached by ClinVar (database versions not stated): TOPMed 0.00001.
gnomAD v4.1: 9 of 1,614,138 alleles (0.00056%); highest among the groups gnomAD compares: Admixed American, 0.0067%; no homozygotes.

Submissions (3):

GeneDx
Classification: Uncertain significance. Last evaluated: 2022-04-14. Review status: criteria provided, single submitter. Criteria: GeneDx Variant Classification Process June 2021. Collection method: clinical testing. Allele origin: germline. Affected: yes.
Comment: In silico analysis supports that this missense variant does not alter protein structure/function; This variant is associated with the following publications: (PMID: 31589614, 26380986)

Mendelics
Classification: Uncertain significance for Townes-Brocks syndrome 1. Last evaluated: 2019-05-28. Review status: criteria provided, single submitter. Criteria: Mendelics Assertion Criteria 2017. Collection method: clinical testing. Allele origin: unknown.

Programa de Pós-Graduação em Ciências Genômicas e Biotecnologia, Universidade Católica de Brasília
Classification: Pathogenic for Townes-Brock syndrome. Last evaluated: 2015-04-01. Review status: criteria provided, single submitter. Criteria: Submitter's publication. Collection method: research. Allele origin: germline. Affected: yes.